The following is an entry in ClinVar:

NM_018486.3(HDAC8):c.496C>T (p.Arg166Ter)

Gene: HDAC8 (histone deacetylase 8; minus strand). Cytogenetic location: Xq13.1.
Variant type: single nucleotide variant.
Coding change: c.496C>T on transcript NM_018486.3 (MANE Select); coding-DNA position 496, C replaced by T.
Protein change: p.Arg166Ter; replaces arginine 166 with a stop codon.
Molecular consequence: nonsense. On other transcripts: non-coding transcript variant (1).
Genome position (GRCh38, 1-based): chrX:72,495,210, G>A on the plus strand (C>T on the coding strand, the complement: HDAC8 is on the minus strand). VCF-style: chrX-72495210-G-A. GRCh37 (hg19) VCF-style: chrX-71715060-G-A.
Other names: c.223C>T, p.Arg75Ter (NM_001166418.2, NM_001166448.2); c.496C>T, p.Arg166Ter (NM_001166419.2); short protein forms R166*, R75*.
Identifiers: ClinVar variation 280793 (VCV000280793.9), dbSNP rs886041936, ClinGen allele CA10603634.

ClinVar aggregate classification (germline): Pathogenic. Review status: criteria provided, multiple submitters, no conflicts (2 of 4 stars). 5 submissions from 5 submitters: Pathogenic (4). 1 of the submissions does not count toward it. Last evaluated 2023-07-21.

Conditions:
Inborn genetic diseases. Identifiers: MedGen C0950123, MeSH D030342.
Cornelia de Lange syndrome 1 (CDLS1). Also called: NIPBL-Related Cornelia de Lange Syndrome; Brachmann de Lange syndrome; TYPUS DEGENERATIVUS AMSTELODAMENSIS. Identifiers: Orphanet 199, MedGen C4551851, MONDO:0007387, OMIM 122470.
Fetal growth restriction (IUGR). Also called: Intrauterine growth restriction; Intrauterine growth retardation; Intra uterine growth retardation. Identifiers: MedGen C0015934, MONDO:0005030, HP:0001511.
Sparse scalp hair. Also called: Hypotrichosis of the scalp. Identifiers: MedGen C1857042, HP:0002209.
Microcephaly. Also called: Microcephaly (disease). Identifiers: MedGen C4551563, MONDO:0001149, HP:0000252.
Global developmental delay (DD). Also called: Cognitive delay. Identifiers: MedGen C0557874, HP:0001263. Disease mechanism: loss of function.
Delayed speech and language development. Also called: Language delay. Identifiers: MedGen C0454644, HP:0000750.
Abnormal facial shape. Also called: Dysmorphic facial features; Dysmorphic facies. Identifiers: MedGen C0424503, HP:0001999.

Submissions (5):

GeneDx
Classification: Pathogenic. Last evaluated: 2023-07-21. Review status: criteria provided, single submitter. Criteria: GeneDx Variant Classification Process June 2021. Collection method: clinical testing. Allele origin: germline. Affected: yes.
Comment: Nonsense variant predicted to result in protein truncation or nonsense mediated decay in a gene for which loss-of-function is a known mechanism of disease; Not observed at significant frequency in large population cohorts (gnomAD); This variant is associated with the following publications: (PMID: 15146186, 24403048, 22889856, 22885700, 15146185, 26671848)

Ambry Genetics
Classification: Pathogenic for Inborn genetic diseases. Last evaluated: 2016-04-01. Review status: criteria provided, single submitter. Criteria: Ambry exome assertion method (8-5-2015). Collection method: clinical testing. Allele origin: germline. Affected: yes. Observed: 2 variant alleles.

Centre for Mendelian Genomics, University Medical Centre Ljubljana
Classification: Pathogenic for Abnormal facial shape; Delayed speech and language development; Global developmental delay; Fetal growth restriction; Microcephaly; Sparse scalp hair. Last evaluated: 2014-08-01. Review status: criteria provided, single submitter. Criteria: ACMG Guidelines, 2015. Collection method: clinical testing. Allele origin: unknown. Affected: yes.

Institute for Genomic Statistics and Bioinformatics, University Hospital Bonn
Classification: Pathogenic for Cornelia de Lange syndrome 1. Review status: criteria provided, single submitter. Criteria: ACMG Guidelines, 2015. Collection method: clinical testing. Allele origin: unknown. Affected: yes. Observed: 1 variant allele.

Molecular Genetics laboratory, Necker Hospital
Classification: Pathogenic. Last evaluated: 2021-12-16. Review status: no assertion criteria provided. Collection method: clinical testing. Allele origin: de novo. Affected: yes. Not counted in ClinVar's aggregate classification.

Literature cited by the submitters: PubMed 26671848 (cited by Ambry Genetics).